The following is an entry in ClinVar:

ClinVar aggregate classification (germline): Uncertain significance. Review status: criteria provided, multiple submitters, no conflicts (2 of 4 stars). 3 submissions from 3 submitters: Uncertain significance (3). Last evaluated 2023-08-04.

Conditions:
Inflammatory bowel disease 25. Also called: Inflammatory bowel disease 25, early onset, autosomal recessive. Identifiers: Orphanet 238569, MedGen C2675508, MONDO:0012941, OMIM 612567.

Allele frequency attached by ClinVar (database versions not stated): gnomAD exomes below 0.00001; TOPMed below 0.00001.
gnomAD v4.1: 3 of 1,614,140 alleles (0.00019%); highest among the groups gnomAD compares: Middle Eastern, 0.016%; no homozygotes.

Submissions (3):

Labcorp Genetics (formerly Invitae), Labcorp
Classification: Uncertain significance for Inflammatory bowel disease 25. Last evaluated: 2023-08-04. Review status: criteria provided, single submitter. Criteria: Invitae Variant Classification Sherloc (09022015). Collection method: clinical testing. Allele origin: germline.
Comment: This missense change has been observed in individual(s) with very early-onset inflammatory bowel disease (PMID: 24216686). In summary, the available evidence is currently insufficient to determine the role of this variant in disease. Therefore, it has been classified as a Variant of Uncertain Significance. Advanced modeling of protein sequence and biophysical properties (such as structural, functional, and spatial information, amino acid conservation, physicochemical variation, residue mobility, and thermodynamic stability) performed at Invitae indicates that this missense variant is expected to disrupt IL10RB protein function. ClinVar contains an entry for this variant (Variation ID: 1028849). This variant is present in population databases (no rsID available, gnomAD 0.0009%). This sequence change replaces tryptophan, which is neutral and slightly polar, with glycine, which is neutral and non-polar, at codon 100 of the IL10RB protein (p.Trp100Gly).

Blueprint Genetics
Classification: Uncertain significance. Last evaluated: 2020-12-23. Review status: criteria provided, single submitter. Criteria: ACMG Guidelines, 2015. Collection method: clinical testing. Allele origin: germline.

Baylor Genetics
Classification: Uncertain significance for Inflammatory bowel disease 25. Last evaluated: 2020-06-09. Review status: criteria provided, single submitter. Criteria: ACMG Guidelines, 2015. Collection method: clinical testing. Allele origin: unknown. Affected: yes.
Comment: This variant was determined to be of uncertain significance according to ACMG Guidelines, 2015 [PMID:25741868].

Literature cited by the submitters: PubMed 24216686 (cited by Labcorp Genetics (formerly Invitae), Labcorp).

NM_000628.5(IL10RB):c.298T>G (p.Trp100Gly)

Genes: IFNAR2-IL10RB (IFNAR2-IL10RB readthrough; plus strand), IL10RB (interleukin 10 receptor subunit beta; plus strand). Cytogenetic location: 21q22.11.
Variant type: single nucleotide variant.
Coding change: c.298T>G on transcript NM_000628.5 (MANE Select); coding-DNA position 298, T replaced by G.
Protein change: p.Trp100Gly; replaces tryptophan 100 with glycine.
Molecular consequence: missense variant.
Genome position (GRCh38, 1-based): chr21:33,276,720, T>G. VCF-style: chr21-33276720-T-G. GRCh37 (hg19) VCF-style: chr21-34649025-T-G.
Other names: short protein forms W100G.
Identifiers: ClinVar variation 1028849 (VCV001028849.10), dbSNP rs868604197, ClinGen allele CA320146234.